The following is an entry in ClinVar:

ClinVar aggregate classification (germline): Uncertain significance (1 of 4 stars; one submission).

Conditions:
Hereditary cancer-predisposing syndrome. Also called: Tumor predisposition; Neoplastic Syndromes, Hereditary; Hereditary neoplastic syndrome; Hereditary Cancer Syndrome. Identifiers: Orphanet 140162, MedGen C0027672, MeSH D009386, MONDO:0015356.

Submission:

Ambry Genetics
Classification: Uncertain significance for Hereditary cancer-predisposing syndrome. Last evaluated: 2024-11-03. Review status: criteria provided, single submitter. Criteria: Ambry Variant Classification Scheme 2023. Collection method: clinical testing. Allele origin: germline.
Comment: The p.M535T variant (also known as c.1604T>C), located in coding exon 15 of the TSC2 gene, results from a T to C substitution at nucleotide position 1604. The methionine at codon 535 is replaced by threonine, an amino acid with similar properties. This amino acid position is conserved. In addition, this alteration is predicted to be tolerated by in silico analysis. Based on the available evidence, the clinical significance of this variant remains unclear.

NM_000548.5(TSC2):c.1604T>C (p.Met535Thr)

Gene: TSC2 (TSC complex subunit 2; plus strand). Cytogenetic location: 16p13.3.
Variant type: single nucleotide variant.
Coding change: c.1604T>C on transcript NM_000548.5 (MANE Select); coding-DNA position 1604, T replaced by C.
Protein change: p.Met535Thr; replaces methionine 535 with threonine.
Molecular consequence: missense variant. On other transcripts: initiator codon variant (1), non-coding transcript variant (5).
Genome position (GRCh38, 1-based): chr16:2,065,523, T>C. VCF-style: chr16-2065523-T-C. GRCh37 (hg19) VCF-style: chr16-2115524-T-C.
Other names: c.1604T>C, p.Met535Thr (NM_001077183.3, NM_001114382.3, NM_001363528.2 and 6 more transcripts); c.1493T>C, p.Met498Thr (NM_001318827.2, NM_001406670.1, NM_001406678.1); c.1457T>C, p.Met486Thr (NM_001318829.2, NM_001406675.1, NM_001406676.1 and 1 more transcripts); c.1004T>C, p.Met335Thr (NM_001318831.2, NM_001406680.1, NM_001406682.1 and 6 more transcripts); c.1637T>C, p.Met546Thr (NM_001318832.2); c.1694T>C, p.Met565Thr (NM_001406667.1, NM_001406668.1); c.1592T>C, p.Met531Thr (NM_001406671.1, NM_001406673.1); c.1547T>C, p.Met516Thr (NM_001406677.1); and 3 more; short protein forms M535T, M1T, M381T, M486T, M531T, M546T, M335T, M498T.
Identifiers: ClinVar variation 3462661 (VCV003462661.1).